The following is an entry in ClinVar:

NM_001903.5(CTNNA1):c.2606_2614dup (p.Lys871_Arg872insMetValLys)

Gene: CTNNA1 (catenin alpha 1; plus strand). Cytogenetic location: 5q31.2.
Variant type: Duplication.
Coding change: c.2606_2614dup on transcript NM_001903.5 (MANE Select); coding-DNA positions 2606 to 2614, 9 bases duplicated (TGGTGAAGA; older notation c.2606_2614dupTGGTGAAGA).
Protein change: p.Lys871_Arg872insMetValLys.
Molecular consequence: inframe insertion. On other transcripts: 3 prime UTR variant (5).
Genome position (GRCh38, 1-based): chr5:138,933,974-138,933,982, TGGTGAAGA duplicated. VCF-style (leftmost placement, unchanged base first): chr5-138933973-T-TTGGTGAAGA. GRCh37 (hg19) VCF-style: chr5-138269662-T-TTGGTGAAGA.
Other names: c.1157_1165dup, p.Lys388_Arg389insMetValLys (NM_001324008.1, NM_001324009.1, NM_001324010.1 and 2 more transcripts); c.1403_1411dup, p.Lys470_Arg471insMetValLys (NM_001324011.1); c.1253_1261dup, p.Lys420_Arg421insMetValLys (NM_001324012.1, NM_001324013.1); c.*151_*159dup (NM_001290307.3, NM_001324002.1, NM_001324003.1 and 2 more transcripts); c.2297_2305dup, p.Lys768_Arg769insMetValLys (NM_001290309.3); c.2237_2245dup, p.Lys748_Arg749insMetValLys (NM_001290310.3); c.1496_1504dup, p.Lys501_Arg502insMetValLys (NM_001290312.1, NM_001323987.1, NM_001323988.1 and 12 more transcripts); c.2606_2614dup, p.Lys871_Arg872insMetValLys (NM_001323982.2, NM_001323983.1, NM_001323984.2); and 3 more.
Identifiers: ClinVar variation 2851129 (VCV002851129.3), dbSNP rs2533954073, ClinGen allele CA2739275087.
Genomic context (GRCh38, chr5:138,933,973, plus strand): 5'-ATGGCTTCCCTCAACCTTCCTGCTGTGTCATGGAAGATGAAGGCACCAGAGAAAAAGCCA[T>TTGGTGAAGA]TGGTGAAGAGAGAGAAACAGGATGAGACACAGACCAAGATTAAACGGGCATCTCAGAAGA-3'

ClinVar aggregate classification (germline): Uncertain significance (1 of 4 stars; one submission).

Submission:

Labcorp Genetics (formerly Invitae), Labcorp
Classification: Uncertain significance. Last evaluated: 2023-03-31. Review status: criteria provided, single submitter. Criteria: Invitae Variant Classification Sherloc (09022015). Collection method: clinical testing. Allele origin: germline.
Comment: In summary, the available evidence is currently insufficient to determine the role of this variant in disease. Therefore, it has been classified as a Variant of Uncertain Significance. This variant has not been reported in the literature in individuals affected with CTNNA1-related conditions. This variant is not present in population databases (gnomAD no frequency). This variant, c.2606_2614dup, results in the insertion of 3 amino acid(s) of the CTNNA1 protein (p.Lys871_Arg872insMetValLys), but otherwise preserves the integrity of the reading frame.